The following is an entry in ClinVar:

ClinVar aggregate classification (germline): Uncertain significance. Review status: criteria provided, single submitter (1 of 4 stars). 2 submissions from 2 submitters: Uncertain significance (1). 1 of the submissions does not count toward it. Last evaluated 2025-08-18.

Conditions:
RASopathy. Also called: rasopathies; Noonan spectrum disorder. Identifiers: Orphanet 536391, MedGen C5555857, MONDO:0021060.
CBL-related disorder. Also called: CBL MUTATION-ASSOCIATED SYNDROME; CBL SYNDROME; NOONAN SYNDROME-LIKE DISORDER WITHOUT JUVENILE MYELOMONOCYTIC LEUKEMIA. Identifiers: Orphanet 363972, MedGen C3150803, MONDO:0013308, OMIM 613563.

Allele frequency attached by ClinVar (database versions not stated): gnomAD exomes 0.00001.
gnomAD v4.1: 8 of 1,613,740 alleles (0.0005%); highest among the groups gnomAD compares: Non-Finnish European, 0.00068%; no homozygotes.

Submissions (2):

Labcorp Genetics (formerly Invitae), Labcorp
Classification: Uncertain significance for RASopathy. Last evaluated: 2025-08-18. Review status: criteria provided, single submitter. Criteria: Invitae Variant Classification Sherloc (09022015). Collection method: clinical testing. Allele origin: germline.
Comment: This sequence change falls in intron 4 of the CBL gene. It does not directly change the encoded amino acid sequence of the CBL protein. It affects a nucleotide within the consensus splice site. This variant is not present in population databases (gnomAD no frequency). This variant has not been reported in the literature in individuals affected with CBL-related conditions. ClinVar contains an entry for this variant (Variation ID: 405367). Variants that disrupt the consensus splice site are a relatively common cause of aberrant splicing (PMID: 17576681, 9536098). Algorithms developed to predict the effect of sequence changes on RNA splicing suggest that this variant is not likely to affect RNA splicing. In summary, the available evidence is currently insufficient to determine the role of this variant in disease. Therefore, it has been classified as a Variant of Uncertain Significance.

PreventionGenetics, part of Exact Sciences
Classification: Likely benign for CBL-related condition. Last evaluated: 2024-02-12. Review status: no assertion criteria provided. Collection method: clinical testing. Allele origin: germline. Not counted in ClinVar's aggregate classification.
Comment: This variant is classified as likely benign based on ACMG/AMP sequence variant interpretation guidelines (Richards et al. 2015 PMID: 25741868, with internal and published modifications).

Literature cited by the submitters: PubMed 17576681 (cited by Labcorp Genetics (formerly Invitae), Labcorp); PubMed 9536098 (cited by Labcorp Genetics (formerly Invitae), Labcorp).

NM_005188.4(CBL):c.748-3T>C

Gene: CBL (Cbl proto-oncogene; plus strand). Cytogenetic location: 11q23.3.
Variant type: single nucleotide variant.
Coding change: c.748-3T>C on transcript NM_005188.4 (MANE Select); 3 bases into the intron before coding-DNA position 748, T replaced by C.
Molecular consequence: intron variant.
Genome position (GRCh38, 1-based): chr11:119,274,829, T>C. VCF-style: chr11-119274829-T-C. GRCh37 (hg19) VCF-style: chr11-119145539-T-C.
Identifiers: ClinVar variation 405367 (VCV000405367.10), dbSNP rs1060500677, ClinGen allele CA16613257.